The following is an entry in ClinVar:

NM_023004.6(RTN4R):c.516C>G (p.Asp172Glu)

Gene: RTN4R (reticulon 4 receptor; minus strand). Cytogenetic location: 22q11.21.
Variant type: single nucleotide variant.
Coding change: c.516C>G on transcript NM_023004.6 (MANE Select); coding-DNA position 516, C replaced by G.
Protein change: p.Asp172Glu; replaces aspartic acid 172 with glutamic acid.
Molecular consequence: missense variant.
Genome position (GRCh38, 1-based): chr22:20,242,617, G>C on the plus strand (C>G on the coding strand, the complement: RTN4R is on the minus strand). VCF-style: chr22-20242617-G-C. GRCh37 (hg19) VCF-style: chr22-20230140-G-C.
Other names: short protein forms D172E.
Identifiers: ClinVar variation 3030721 (VCV003030721.3), dbSNP rs117955118, ClinGen allele CA10109572.
Genomic context (GRCh38, chr22:20,242,617, plus strand): 5'-GCTGGAGATGCGGTTGCCGTGCAGGAAGAGGTGTGTGAGGTTGCCCAGGTCGCGGAAGGT[G>C]TCATCAGGCAGTGCCTGCAGCGCGTTGTCCTGCAGGTAGAGGTACTGCAGGGCAGCCAGG-3'
Protein context (NP_075380.1, residues 162-182): QDNALQALPD[Asp172Glu]TFRDLGNLTH

ClinVar aggregate classification (germline): Uncertain significance. Review status: criteria provided, single submitter (1 of 4 stars). 2 submissions from 2 submitters: Uncertain significance (1). 1 of the submissions does not count toward it. Last evaluated 2025-08-07.

Conditions:
RTN4R-related disorder. Also called: RTN4R-related condition.

Allele frequency attached by ClinVar (database versions not stated): gnomAD 0.00001; TOPMed 0.00003; ExAC 0.00013; 1000 Genomes Project 30x 0.00016; 1000 Genomes Project 0.00020.
gnomAD v4.1: 54 of 1,612,056 alleles (0.0033%); highest among the groups gnomAD compares: East Asian, 0.12%; no homozygotes.

Submissions (2):

Ambry Genetics
Classification: Uncertain significance. Last evaluated: 2025-08-07. Review status: criteria provided, single submitter. Criteria: Ambry Variant Classification Scheme 2023. Collection method: clinical testing. Allele origin: germline.

PreventionGenetics, part of Exact Sciences
Classification: Likely benign for RTN4R-related condition. Last evaluated: 2022-03-15. Review status: no assertion criteria provided. Collection method: clinical testing. Allele origin: germline. Not counted in ClinVar's aggregate classification.
Comment: This variant is classified as likely benign based on ACMG/AMP sequence variant interpretation guidelines (Richards et al. 2015 PMID: 25741868, with internal and published modifications).